The following is an entry in ClinVar:

NM_001377.3(DYNC2H1):c.11649+12C>A

Gene: DYNC2H1 (dynein cytoplasmic 2 heavy chain 1; plus strand). Cytogenetic location: 11q22.3.
Variant type: single nucleotide variant.
Coding change: c.11649+12C>A on transcript NM_001377.3 (MANE Select); 12 bases into the intron after coding-DNA position 11649, C replaced by A.
Molecular consequence: intron variant.
Genome position (GRCh38, 1-based): chr11:103,312,045, C>A. VCF-style: chr11-103312045-C-A. GRCh37 (hg19) VCF-style: chr11-103182774-C-A.
Other names: c.11670+12C>A (NM_001080463.2).
Identifiers: ClinVar variation 93528 (VCV000093528.24), dbSNP rs79978663, ClinGen allele CA147030.

ClinVar aggregate classification (germline): Benign. Review status: criteria provided, multiple submitters, no conflicts (2 of 4 stars). 9 submissions from 9 submitters: Benign (7). 2 of the submissions do not count toward it. Last evaluated 2026-02-04.

Conditions:
Jeune thoracic dystrophy. Also called: Jeune syndrome; Infantile thoracic dystrophy; Thoracic pelvic phalangeal dystrophy; Jeune's syndrome; Chondroectodermal dysplasia-like syndrome; Short-rib thoracic dysplasia. Identifiers: Orphanet 474, MedGen C0265275, MONDO:0018770.
Asphyxiating thoracic dystrophy 3. Also called: Short rib polydactyly syndrome 2B; Saldino-Noonan Syndrome; SHORT-RIB THORACIC DYSPLASIA 3 WITH OR WITHOUT POLYDACTYLY; POLYDACTYLY WITH NEONATAL CHONDRODYSTROPHY, TYPE I; SHORT-RIB THORACIC DYSPLASIA 3/6 WITH POLYDACTYLY, DIGENIC. Identifiers: Orphanet 474, Orphanet 93269, Orphanet 93270, Orphanet 93271, MedGen C0036069, MONDO:0013127, OMIM 613091.

Allele frequency attached by ClinVar (database versions not stated): ESP Exome Variant Server 0.12350; 1000 Genomes Project 30x 0.13273; 1000 Genomes Project 0.13359; gnomAD 0.13559 and 0.13878; TOPMed 0.14437.
gnomAD v4.1: 235,414 of 1,598,876 alleles (15%); highest among the groups gnomAD compares: Admixed American, 29%; 19,130 homozygotes.

Submissions (9):

Labcorp Genetics (formerly Invitae), Labcorp
Classification: Benign for Jeune thoracic dystrophy. Last evaluated: 2026-02-04. Review status: criteria provided, single submitter. Criteria: Invitae Variant Classification Sherloc (09022015). Collection method: clinical testing. Allele origin: germline.

Blueprint Genetics
Classification: Benign. Last evaluated: 2024-11-27. Review status: criteria provided, single submitter. Criteria: ACMG Guidelines, 2015. Collection method: clinical testing. Allele origin: germline.

Genome-Nilou Lab
Classification: Benign for Asphyxiating thoracic dystrophy 3. Last evaluated: 2021-07-30. Review status: criteria provided, single submitter. Criteria: ACMG Guidelines, 2015. Collection method: clinical testing. Allele origin: germline. Affected: no.

Illumina Laboratory Services, Illumina
Classification: Benign for Asphyxiating thoracic dystrophy 3. Last evaluated: 2018-01-13. Review status: criteria provided, single submitter. Criteria: ICSL Variant Classification Criteria 13 December 2019. Collection method: clinical testing. Allele origin: germline.
Comment: This variant was observed in the ICSL laboratory as part of a predisposition screen in an ostensibly healthy population. It had not been previously curated by ICSL or reported in the Human Gene Mutation Database (HGMD: prior to June 1st, 2018), and was therefore a candidate for classification through an automated scoring system. Utilizing variant allele frequency, disease prevalence and penetrance estimates, and inheritance mode, an automated score was calculated to assess if this variant is too frequent to cause the disease. Based on the score and internal cut-off values, a variant classified as benign is not then subjected to further curation. The score for this variant resulted in a classification of benign for this disease.

GeneDx
Classification: Benign. Last evaluated: 2016-03-03. Review status: criteria provided, single submitter. Criteria: GeneDx Variant Classification (06012015). Collection method: clinical testing. Allele origin: germline. Affected: yes.
Comment: This variant is considered likely benign or benign based on one or more of the following criteria: it is a conservative change, it occurs at a poorly conserved position in the protein, it is predicted to be benign by multiple in silico algorithms, and/or has population frequency not consistent with disease.

Eurofins Ntd Llc (ga)
Classification: Benign. Last evaluated: 2013-10-21. Review status: criteria provided, single submitter. Criteria: EGL Classification Definitions 2015. Collection method: clinical testing. Allele origin: germline. Observed: 3 variant alleles, 3 heterozygotes.

Breakthrough Genomics
Classification: Benign. Review status: criteria provided, single submitter. Criteria: ACMG Guidelines, 2015. Collection method: not provided. Allele origin: germline. Inheritance: Autosomal recessive inheritance. Affected: yes.

Clinical Genetics DNA and cytogenetics Diagnostics Lab, Erasmus MC, Erasmus Medical Center
Classification: Benign. Review status: no assertion criteria provided. Collection method: clinical testing. Allele origin: germline. Affected: yes. Study: VKGL Data-share Consensus. Not counted in ClinVar's aggregate classification.

Joint Genome Diagnostic Labs from Nijmegen and Maastricht, Radboudumc and MUMC+
Classification: Benign. Review status: no assertion criteria provided. Collection method: clinical testing. Allele origin: germline. Affected: yes. Study: VKGL Data-share Consensus. Not counted in ClinVar's aggregate classification.